The following is an entry in ClinVar:

ClinVar aggregate classification (germline): Uncertain significance (1 of 4 stars; one submission).

Conditions:
Dilated cardiomyopathy 1G (CMD1G). Identifiers: Orphanet 154, MedGen C1858763, MONDO:0011400, OMIM 604145.
Autosomal recessive limb-girdle muscular dystrophy type 2J (LGMDR10). Also called: MUSCULAR DYSTROPHY, LIMB-GIRDLE, AUTOSOMAL RECESSIVE 10; Limb-girdle muscular dystrophy, type 2J. Identifiers: Orphanet 140922, MedGen C1837342, MONDO:0012127, OMIM 608807.

Allele frequency attached by ClinVar (database versions not stated): gnomAD exomes below 0.00001.
gnomAD v4.1: 2 of 1,613,956 alleles (0.00012%); highest among the groups gnomAD compares: Non-Finnish European, 0.00017%; no homozygotes.

Submission:

Labcorp Genetics (formerly Invitae), Labcorp
Classification: Uncertain significance for Dilated cardiomyopathy 1G; Autosomal recessive limb-girdle muscular dystrophy type 2J. Last evaluated: 2024-07-30. Review status: criteria provided, single submitter. Criteria: Invitae Variant Classification Sherloc (09022015). Collection method: clinical testing. Allele origin: germline.
Comment: This sequence change replaces arginine, which is basic and polar, with lysine, which is basic and polar, at codon 35130 of the TTN protein (p.Arg35130Lys). This variant is not present in population databases (gnomAD no frequency). This variant has not been reported in the literature in individuals affected with TTN-related conditions. ClinVar contains an entry for this variant (Variation ID: 2165018). Experimental studies and prediction algorithms are not available or were not evaluated, and the functional significance of this variant is currently unknown. This variant is located in the M band of TTN (PMID: 25589632). Non-truncating variants in this region may be relevant for neuromuscular disorders, but have not been definitively shown to cause cardiomyopathy (PMID: 23975875). In summary, the available evidence is currently insufficient to determine the role of this variant in disease. Therefore, it has been classified as a Variant of Uncertain Significance.

Literature cited by the submitters: PubMed 25589632; PubMed 23975875.

NM_001267550.2(TTN):c.105389G>A (p.Arg35130Lys)

Genes: TTN (titin; minus strand), TTN-AS1 (TTN antisense RNA 1; plus strand). Cytogenetic location: 2q31.2.
Variant type: single nucleotide variant.
Coding change: c.105389G>A on transcript NM_001267550.2 (MANE Select); coding-DNA position 105389, G replaced by A.
Protein change: p.Arg35130Lys; replaces arginine 35130 with lysine.
Molecular consequence: missense variant.
Genome position (GRCh38, 1-based): chr2:178,531,226, C>T on the plus strand (G>A on the coding strand, the complement: TTN is on the minus strand). VCF-style: chr2-178531226-C-T. GRCh37 (hg19) VCF-style: chr2-179395953-C-T.
Other names: c.100466G>A, p.Arg33489Lys (NM_001256850.1); c.78194G>A, p.Arg26065Lys (NM_003319.4); c.97685G>A, p.Arg32562Lys (NM_133378.4); c.78569G>A, p.Arg26190Lys (NM_133432.3); c.78770G>A, p.Arg26257Lys (NM_133437.4); short protein forms R26190K, R26257K, R32562K, R33489K, R35130K, R26065K.
Identifiers: ClinVar variation 2165018 (VCV002165018.4), dbSNP rs2468402076, ClinGen allele CA349408861.